The following is an entry in ClinVar:

ClinVar aggregate classification (germline): Uncertain significance. Review status: criteria provided, multiple submitters, no conflicts (2 of 4 stars). 2 submissions from 2 submitters: Uncertain significance (2). Last evaluated 2025-12-09.

Conditions:
Emery-Dreifuss muscular dystrophy (EDMD). Also called: Scapuloperoneal syndrome, X-linked (formerly); Humeroperoneal neuromuscular disease, (formerly). Identifiers: Orphanet 261, MedGen C0410189, MONDO:0016830.

Allele frequency attached by ClinVar (database versions not stated): ExAC 0.00002; gnomAD 0.00006; TOPMed 0.00006.

Submissions (2):

Ambry Genetics
Classification: Uncertain significance. Last evaluated: 2025-12-09. Review status: criteria provided, single submitter. Criteria: Ambry Variant Classification Scheme 2023. Collection method: clinical testing. Allele origin: germline.

Labcorp Genetics (formerly Invitae), Labcorp
Classification: Uncertain significance for Emery-Dreifuss muscular dystrophy. Last evaluated: 2025-06-04. Review status: criteria provided, single submitter. Criteria: Invitae Variant Classification Sherloc (09022015). Collection method: clinical testing. Allele origin: germline.
Comment: This sequence change replaces alanine, which is neutral and non-polar, with valine, which is neutral and non-polar, at codon 56 of the SUN2 protein (p.Ala56Val). This variant is present in population databases (rs373974626, gnomAD 0.009%). This variant has not been reported in the literature in individuals affected with SUN2-related conditions. ClinVar contains an entry for this variant (Variation ID: 2986756). An algorithm developed to predict the effect of missense changes on protein structure and function outputs the following: PolyPhen-2: "Benign". The valine amino acid residue is found in multiple mammalian species, which suggests that this missense change does not adversely affect protein function. In summary, the available evidence is currently insufficient to determine the role of this variant in disease. Therefore, it has been classified as a Variant of Uncertain Significance.

NM_015374.3(SUN2):c.167C>T (p.Ala56Val)

Gene: SUN2 (Sad1 and UNC84 domain containing 2; minus strand). Cytogenetic location: 22q13.1.
Variant type: single nucleotide variant.
Coding change: c.167C>T on transcript NM_015374.3 (MANE Select); coding-DNA position 167, C replaced by T.
Protein change: p.Ala56Val; replaces alanine 56 with valine.
Molecular consequence: missense variant. On other transcripts: intron variant (2).
Genome position (GRCh38, 1-based): chr22:38,751,329, G>A on the plus strand (C>T on the coding strand, the complement: SUN2 is on the minus strand). VCF-style: chr22-38751329-G-A. GRCh37 (hg19) VCF-style: chr22-39147334-G-A.
Other names: c.167C>T (NM_015374.2); c.167C>T, p.Ala56Val (NM_001199579.2, NM_001199580.2, NM_001394427.1 and 16 more transcripts); c.122+1178C>T (NM_001394443.1); c.123-46C>T (NM_001394438.1); short protein forms A56V.
Identifiers: ClinVar variation 2986756 (VCV002986756.4), dbSNP rs373974626, ClinGen allele CA10236074.